The following is an entry in ClinVar:

ClinVar aggregate classification (germline): Uncertain significance (1 of 4 stars; one submission).

Conditions:
Retinoblastoma (RB1). Also called: RETINOBLASTOMA, SOMATIC. Identifiers: Orphanet 790, MedGen C0035335, MeSH D012175, MONDO:0008380, OMIM 180200, HP:0009919. Disease mechanism: loss of function. Inheritance: Both sporadic and heritable forms are tested..

Submission:

Labcorp Genetics (formerly Invitae), Labcorp
Classification: Uncertain significance for Retinoblastoma. Last evaluated: 2025-08-02. Review status: criteria provided, single submitter. Criteria: Invitae Variant Classification Sherloc (09022015). Collection method: clinical testing. Allele origin: germline.
Comment: This variant occurs in a non-coding region of the RB1 gene. It does not change the encoded amino acid sequence of the RB1 protein. This variant is not present in population databases (gnomAD no frequency). This variant has not been reported in the literature in individuals affected with RB1-related conditions. Experimental studies and prediction algorithms are not available or were not evaluated, and the functional significance of this variant is currently unknown. In summary, the available evidence is currently insufficient to determine the role of this variant in disease. Therefore, it has been classified as a Variant of Uncertain Significance.

NC_000013.11:g.48303707C>G

Gene: RB1 (RB transcriptional corepressor 1; plus strand). Cytogenetic location: 13q14.2.
Variant type: single nucleotide variant.
Genome position: GRCh38 VCF-style: chr13-48303707-C-G. GRCh37 (hg19) VCF-style: chr13-48877843-C-G.
Identifiers: ClinVar variation 3672876 (VCV003672876.2).